The following is an entry in ClinVar:

ClinVar aggregate classification (germline): Uncertain significance (1 of 4 stars; one submission).

Conditions:
Inborn genetic diseases. Identifiers: MedGen C0950123, MeSH D030342.

Allele frequency attached by ClinVar (database versions not stated): gnomAD exomes below 0.00001; ExAC 0.00001; gnomAD 0.00001; TOPMed 0.00001.
gnomAD v4.1: 4 of 1,613,990 alleles (0.00025%); highest among the groups gnomAD compares: African/African-American, 0.004%; no homozygotes.

Submission:

Ambry Genetics
Classification: Uncertain significance for Inborn genetic diseases. Last evaluated: 2024-11-23. Review status: criteria provided, single submitter. Criteria: Ambry Variant Classification Scheme 2023. Collection method: clinical testing. Allele origin: germline.
Comment: The p.D553E variant (also known as c.1659C>A), located in coding exon 8 of the MECOM gene, results from a C to A substitution at nucleotide position 1659. The aspartic acid at codon 553 is replaced by glutamic acid, an amino acid with highly similar properties. This amino acid position is conserved. In addition, this alteration is predicted to be tolerated by in silico analysis. Based on the available evidence, the clinical significance of this variant remains unclear.

NM_004991.4(MECOM):c.1659C>A (p.Asp553Glu)

Gene: MECOM (MDS1 and EVI1 complex locus; minus strand). Cytogenetic location: 3q26.2.
Variant type: single nucleotide variant.
Coding change: c.1659C>A on transcript NM_004991.4 (MANE Select); coding-DNA position 1659, C replaced by A.
Protein change: p.Asp553Glu; replaces aspartic acid 553 with glutamic acid.
Molecular consequence: missense variant. On other transcripts: intron variant (2).
Genome position (GRCh38, 1-based): chr3:169,116,213, G>T on the plus strand (C>A on the coding strand, the complement: MECOM is on the minus strand). VCF-style: chr3-169116213-G-T. GRCh37 (hg19) VCF-style: chr3-168834001-G-T.
Other names: c.1290C>A, p.Asp430Glu (NM_001105077.4); c.1095C>A, p.Asp365Glu (NM_001105078.4, NM_001164000.2, NM_001205194.2 and 4 more transcripts); c.1098C>A, p.Asp366Glu (NM_001163999.2, NM_001366467.2, NM_001366468.2 and 1 more transcripts); c.1659C>A, p.Asp553Glu (NM_001366466.2); c.1133-446C>A (NM_001366473.2); c.569-446C>A (NM_001366474.2); short protein forms D365E, D553E, D430E, D366E.
Identifiers: ClinVar variation 2259944 (VCV002259944.3), dbSNP rs779326112, ClinGen allele CA2696304.
Genomic context (GRCh38, chr3:169,116,213, plus strand): 5'-GATTTTCTCAAAGGGCCTCTCTTCAGAGGACCTCTCGGGCTGGAGCTCCACTGGCTTATT[G>T]TCCCCTACAGATGGGTGTTTAGATAGTGCCTTCAAAATATCCTGTGTAGCTGGCAGTATC-3'
Protein context (NP_004982.2, residues 543-563): KALSKHPSVG[Asp553Glu]NKPVELQPER